The following is an entry in ClinVar:

NM_003982.4(SLC7A7):c.349T>G (p.Phe117Val)

Gene: SLC7A7 (solute carrier family 7 member 7; minus strand). Cytogenetic location: 14q11.2.
Variant type: single nucleotide variant.
Coding change: c.349T>G on transcript NM_003982.4 (MANE Select); coding-DNA position 349, T replaced by G.
Protein change: p.Phe117Val; replaces phenylalanine 117 with valine.
Molecular consequence: missense variant.
Genome position (GRCh38, 1-based): chr14:22,813,050, A>C on the plus strand (T>G on the coding strand, the complement: SLC7A7 is on the minus strand). VCF-style: chr14-22813050-A-C. GRCh37 (hg19) VCF-style: chr14-23282259-A-C.
Other names: c.349T>G, p.Phe117Val (NM_001126105.3, NM_001126106.4); short protein forms F117V.
Identifiers: ClinVar variation 1519945 (VCV001519945.3), dbSNP rs748090602, ClinGen allele CA7104725.

ClinVar aggregate classification (germline): Uncertain significance (1 of 4 stars; one submission).

Conditions:
Lysinuric protein intolerance (LPI). Identifiers: Orphanet 470, MedGen C0268647, MONDO:0009109, OMIM 222700.

Allele frequency attached by ClinVar (database versions not stated): TOPMed below 0.00001; gnomAD 0.00001; gnomAD exomes 0.00001 and 0.00004; ExAC 0.00005.
gnomAD v4.1: 5 of 1,613,978 alleles (0.00031%); highest among the groups gnomAD compares: East Asian, 0.011%; no homozygotes.

Submission:

Labcorp Genetics (formerly Invitae), Labcorp
Classification: Uncertain significance for Lysinuric protein intolerance. Last evaluated: 2022-06-01. Review status: criteria provided, single submitter. Criteria: Invitae Variant Classification Sherloc (09022015). Collection method: clinical testing. Allele origin: germline.
Comment: This sequence change replaces phenylalanine, which is neutral and non-polar, with valine, which is neutral and non-polar, at codon 117 of the SLC7A7 protein (p.Phe117Val). The frequency data for this variant in the population databases is considered unreliable, as metrics indicate poor data quality at this position in the gnomAD database. This variant has not been reported in the literature in individuals affected with SLC7A7-related conditions. ClinVar contains an entry for this variant (Variation ID: 1519945). Algorithms developed to predict the effect of missense changes on protein structure and function are either unavailable or do not agree on the potential impact of this missense change (SIFT: "Deleterious"; PolyPhen-2: "Probably Damaging"; Align-GVGD: "Class C0"). In summary, the available evidence is currently insufficient to determine the role of this variant in disease. Therefore, it has been classified as a Variant of Uncertain Significance.